The following is an entry in ClinVar:

ClinVar aggregate classification (germline): Uncertain significance (1 of 4 stars; one submission).

Conditions:
Isolated microphthalmia 4. Identifiers: Orphanet 2542, MedGen C2751307, MONDO:0013130, OMIM 613094.
Microphthalmia, isolated, with coloboma 6 (MCOPCB6). Also called: Microphthalmia with coloboma 6, digenic; Microphthalmia with coloboma 6; MICROPHTHALMIA/COLOBOMA 6. Identifiers: Orphanet 98938, MedGen C3150968, MONDO:0013376, OMIM 613703.
Leber congenital amaurosis 17 (LCA17). Identifiers: Orphanet 65, MedGen C3715164, MONDO:0014145, OMIM 615360.
Klippel-Feil syndrome 1, autosomal dominant (KFS1). Also called: CERVICAL VERTEBRAL FUSION, AUTOSOMAL DOMINANT. Identifiers: Orphanet 2345, MedGen C1861689, MONDO:0007306, OMIM 118100.

Allele frequency attached by ClinVar (database versions not stated): gnomAD exomes below 0.00001; ExAC 0.00001.
gnomAD v4.1: 1 of 1,614,092 alleles (0.000062%); highest among the groups gnomAD compares: East Asian, 0.0022%; no homozygotes.

Submission:

Labcorp Genetics (formerly Invitae), Labcorp
Classification: Uncertain significance for Isolated microphthalmia 4; Leber congenital amaurosis 17; Klippel-Feil syndrome 1, autosomal dominant; Microphthalmia, isolated, with coloboma 6. Last evaluated: 2024-10-16. Review status: criteria provided, single submitter. Criteria: Invitae Variant Classification Sherloc (09022015). Collection method: clinical testing. Allele origin: germline.
Comment: This sequence change replaces glycine, which is neutral and non-polar, with serine, which is neutral and polar, at codon 367 of the GDF6 protein (p.Gly367Ser). This variant is not present in population databases (gnomAD no frequency). This variant has not been reported in the literature in individuals affected with GDF6-related conditions. ClinVar contains an entry for this variant (Variation ID: 1474608). Invitae Evidence Modeling of protein sequence and biophysical properties (such as structural, functional, and spatial information, amino acid conservation, physicochemical variation, residue mobility, and thermodynamic stability) indicates that this missense variant is expected to disrupt GDF6 protein function with a positive predictive value of 80%. In summary, the available evidence is currently insufficient to determine the role of this variant in disease. Therefore, it has been classified as a Variant of Uncertain Significance.

NM_001001557.4(GDF6):c.1099G>A (p.Gly367Ser)

Gene: GDF6 (growth differentiation factor 6; minus strand). Cytogenetic location: 8q22.1.
Variant type: single nucleotide variant.
Coding change: c.1099G>A on transcript NM_001001557.4 (MANE Select); coding-DNA position 1099, G replaced by A.
Protein change: p.Gly367Ser; replaces glycine 367 with serine.
Molecular consequence: missense variant.
Genome position (GRCh38, 1-based): chr8:96,144,832, C>T on the plus strand (G>A on the coding strand, the complement: GDF6 is on the minus strand). VCF-style: chr8-96144832-C-T. GRCh37 (hg19) VCF-style: chr8-97157060-C-T.
Other names: short protein forms G367S.
Identifiers: ClinVar variation 1474608 (VCV001474608.8), dbSNP rs745989382, ClinGen allele CA4815369.